The following is an entry in ClinVar:

NM_002900.3(RBP3):c.2152C>A (p.Pro718Thr)

Gene: RBP3 (retinol binding protein 3; plus strand). Cytogenetic location: 10q11.22.
Variant type: single nucleotide variant.
Coding change: c.2152C>A on transcript NM_002900.3 (MANE Select); coding-DNA position 2152, C replaced by A.
Protein change: p.Pro718Thr; replaces proline 718 with threonine.
Molecular consequence: missense variant.
Genome position (GRCh38, 1-based): chr10:47,350,636, C>A. VCF-style: chr10-47350636-C-A. GRCh37 (hg19) VCF-style: chr10-48388726-G-T.
Other names: short protein forms P718T.
Identifiers: ClinVar variation 1359638 (VCV001359638.6), dbSNP rs781813519, ClinGen allele CA5487345.

ClinVar aggregate classification (germline): Uncertain significance (1 of 4 stars; one submission).

Allele frequency attached by ClinVar (database versions not stated): gnomAD 0.00001; TOPMed 0.00001; ExAC 0.00002; gnomAD exomes 0.00002.
gnomAD v4.1: 17 of 1,612,780 alleles (0.0011%); highest among the groups gnomAD compares: Non-Finnish European, 0.0014%; no homozygotes.

Submission:

Labcorp Genetics (formerly Invitae), Labcorp
Classification: Uncertain significance. Last evaluated: 2021-08-23. Review status: criteria provided, single submitter. Criteria: Invitae Variant Classification Sherloc (09022015). Collection method: clinical testing. Allele origin: germline.
Comment: Algorithms developed to predict the effect of missense changes on protein structure and function are either unavailable or do not agree on the potential impact of this missense change (SIFT: "Deleterious"; PolyPhen-2: "Possibly Damaging"; Align-GVGD: "Class C0"). This variant has not been reported in the literature in individuals affected with RBP3-related conditions. This variant is present in population databases (rs781813519, ExAC 0.003%). This sequence change replaces proline with threonine at codon 718 of the RBP3 protein (p.Pro718Thr). The proline residue is moderately conserved and there is a small physicochemical difference between proline and threonine. In summary, the available evidence is currently insufficient to determine the role of this variant in disease. Therefore, it has been classified as a Variant of Uncertain Significance.